The following is an entry in ClinVar:

ClinVar aggregate classification (germline): Pathogenic (1 of 4 stars; one submission).

Conditions:
Ataxia-telangiectasia syndrome (AT). Also called: ATAXIA-TELANGIECTASIA, COMPLEMENTATION GROUP A; ATAXIA-TELANGIECTASIA, FRESNO VARIANT; Ataxia-telangiectasia; Ataxia-telangiectasia, complementation group D; AT, COMPLEMENTATION GROUP C; Ataxia-telangiectasia, complementation group E. Identifiers: Orphanet 100, MedGen C0004135, MONDO:0008840, OMIM 208900.

Submission:

Labcorp Genetics (formerly Invitae), Labcorp
Classification: Pathogenic for Ataxia-telangiectasia syndrome. Last evaluated: 2019-12-16. Review status: criteria provided, single submitter. Criteria: Invitae Variant Classification Sherloc (09022015). Collection method: clinical testing. Allele origin: germline.
Comment: This sequence change creates a premature translational stop signal (p.Arg2939Lysfs*4) in the ATM gene. It is expected to result in an absent or disrupted protein product. This variant is not present in population databases (ExAC no frequency). This variant has not been reported in the literature in individuals with ATM-related conditions. Loss-of-function variants in ATM are known to be pathogenic (PMID: 23807571, 25614872). For these reasons, this variant has been classified as Pathogenic.

Literature cited by the submitters: PubMed 23807571; PubMed 25614872.

NM_000051.4(ATM):c.8816_8828del (p.Arg2939fs)

Genes: ATM (ATM serine/threonine kinase; plus strand), C11orf65 (chromosome 11 open reading frame 65; minus strand). Cytogenetic location: 11q22.3.
Variant type: Deletion.
Coding change: c.8816_8828del on transcript NM_000051.4 (MANE Select); coding-DNA positions 8816 to 8828, 13 bases deleted (GAAACTCTCAGGA).
Protein change: p.Arg2939fs; shifts the reading frame from arginine 2939.
Molecular consequence: frameshift variant. On other transcripts: intron variant (2).
Genome position (GRCh38, 1-based): chr11:108,354,840-108,354,852, GAAACTCTCAGGA deleted; deleting any 13 consecutive bases within chr11:108,354,838-108,354,852 gives the same sequence; the c. name uses the placement nearest the transcript's 3' end. VCF-style (leftmost placement, unchanged base first): chr11-108354837-TGAGAAACTCTCAG-T. GRCh37 (hg19) VCF-style: chr11-108225564-TGAGAAACTCTCAG-T.
Other names: c.8816_8828delGAAACTCTCAGGA, p.Arg2939Lysfs (NM_000051.3); c.8816_8828del, p.Arg2939fs (NM_001351834.2); c.640+31070_640+31082del (NM_001330368.2); c.695-19558_695-19546del (NM_001351110.2); short protein forms R2939fs.
Identifiers: ClinVar variation 848312 (VCV000848312.9), dbSNP rs2089694729, ClinGen allele CA916080502.